The following is an entry in ClinVar:

ClinVar aggregate classification (germline): Conflicting classifications of pathogenicity. Review status: criteria provided, conflicting classifications (1 of 4 stars). 2 submissions from 2 submitters: Uncertain significance (1); Likely benign (1). Last evaluated 2025-07-06.

Conditions:
Kabuki syndrome. Also called: Kabuki make-up syndrome; NIIKAWA-KUROKI SYNDROME. Identifiers: Orphanet 2322, MedGen C0796004, MONDO:0016512.
Inborn genetic diseases. Identifiers: MedGen C0950123, MeSH D030342.

gnomAD v4.1: 1 of 1,612,246 alleles (0.000062%); no homozygotes.

Submissions (2):

Labcorp Genetics (formerly Invitae), Labcorp
Classification: Likely benign for Kabuki syndrome. Last evaluated: 2025-07-06. Review status: criteria provided, single submitter. Criteria: Invitae Variant Classification Sherloc (09022015). Collection method: clinical testing. Allele origin: germline.

Ambry Genetics
Classification: Uncertain significance for Inborn genetic diseases. Last evaluated: 2023-07-20. Review status: criteria provided, single submitter. Criteria: Ambry Variant Classification Scheme 2023. Collection method: clinical testing. Allele origin: germline.
Comment: The c.2962G>C (p.A988P) alteration is located in exon 11 (coding exon 11) of the KMT2D gene. This alteration results from a G to C substitution at nucleotide position 2962, causing the alanine (A) at amino acid position 988 to be replaced by a proline (P). This variant was not reported in population-based cohorts in the Genome Aggregation Database (gnomAD). This amino acid position is well conserved in available vertebrate species. The in silico prediction for this alteration is inconclusive. Based on insufficient or conflicting evidence, the clinical significance of this alteration remains unclear.

NM_003482.4(KMT2D):c.2962G>C (p.Ala988Pro)

Gene: KMT2D (lysine methyltransferase 2D; minus strand). Cytogenetic location: 12q13.12.
Variant type: single nucleotide variant.
Coding change: c.2962G>C on transcript NM_003482.4 (MANE Select); coding-DNA position 2962, G replaced by C.
Protein change: p.Ala988Pro; replaces alanine 988 with proline.
Molecular consequence: missense variant.
Genome position (GRCh38, 1-based): chr12:49,050,626, C>G on the plus strand (G>C on the coding strand, the complement: KMT2D is on the minus strand). VCF-style: chr12-49050626-C-G. GRCh37 (hg19) VCF-style: chr12-49444409-C-G.
Other names: short protein forms A988P.
Identifiers: ClinVar variation 2199671 (VCV002199671.7), dbSNP rs2120654180, ClinGen allele CA384660290.
Genomic context (GRCh38, chr12:49,050,626, plus strand): 5'-GGGAGCCTGGAGATGGGGGAAGGATCATAGGGGGGACAGGCTCAGGGTCAGTGCAGTTAG[C>G]TTCTGGTGGAGGGCTGATGGGTGTCTCCAGGATGGGGGCAGCCAACGGTGACTCAGGGTC-3'
Protein context (NP_003473.3, residues 978-998): LETPISPPPE[Ala988Pro]NCTDPEPVPP